The following is an entry in ClinVar:

ClinVar aggregate classification (germline): Uncertain significance (1 of 4 stars; one submission).

Submission:

Ambry Genetics
Classification: Uncertain significance. Last evaluated: 2025-01-13. Review status: criteria provided, single submitter. Criteria: Ambry Variant Classification Scheme 2023. Collection method: clinical testing. Allele origin: germline.
Comment: The p.T749S variant (also known as c.2245A>T), located in coding exon 4 of the CDK12 gene, results from an A to T substitution at nucleotide position 2245. The threonine at codon 749 is replaced by serine, an amino acid with similar properties. This amino acid position is conserved. In addition, the in silico prediction for this alteration is inconclusive. Based on the available evidence, the clinical significance of this variant remains unclear.

NM_016507.4(CDK12):c.2245A>T (p.Thr749Ser)

Gene: CDK12 (cyclin dependent kinase 12; plus strand). Cytogenetic location: 17q12.
Variant type: single nucleotide variant.
Coding change: c.2245A>T on transcript NM_016507.4 (MANE Select); coding-DNA position 2245, A replaced by T.
Protein change: p.Thr749Ser; replaces threonine 749 with serine.
Molecular consequence: missense variant.
Genome position (GRCh38, 1-based): chr17:39,492,887, A>T. VCF-style: chr17-39492887-A-T. GRCh37 (hg19) VCF-style: chr17-37649140-A-T.
Other names: c.2245A>T, p.Thr749Ser (NM_015083.4); short protein forms T749S.
Identifiers: ClinVar variation 3830492 (VCV003830492.1).